The following is an entry in ClinVar:

NM_004982.4(KCNJ8):c.-40G>A

Genes: KCNJ8 (potassium inwardly rectifying channel subfamily J member 8; minus strand), KCNJ8-AS1 (KCNJ8 antisense RNA 1; plus strand). Cytogenetic location: 12p12.1.
Variant type: single nucleotide variant.
Coding change: c.-40G>A on transcript NM_004982.4 (MANE Select); 40 bases upstream of the start codon, G replaced by A.
Molecular consequence: 5 prime UTR variant.
Genome position (GRCh38, 1-based): chr12:21,773,656, C>T on the plus strand (G>A on the coding strand, the complement: KCNJ8 is on the minus strand). VCF-style: chr12-21773656-C-T. GRCh37 (hg19) VCF-style: chr12-21926590-C-T.
Identifiers: ClinVar variation 190830 (VCV000190830.1), dbSNP rs114704386, ClinGen allele CA302100.

ClinVar aggregate classification (germline): Benign (1 of 4 stars; one submission).

Allele frequency attached by ClinVar (database versions not stated): 1000 Genomes Project 0.00919; 1000 Genomes Project 30x 0.00937; gnomAD 0.00938 and 0.00865; ESP Exome Variant Server 0.00994; TOPMed 0.00997.
gnomAD v4.1: 2,616 of 1,606,972 alleles (0.16%); highest among the groups gnomAD compares: African/African-American, 3%; 39 homozygotes.

Submission:

GeneDx
Classification: Benign. Last evaluated: 2014-01-16. Review status: criteria provided, single submitter. Criteria: GeneDx Variant Classification (06012015). Collection method: clinical testing. Allele origin: germline. Affected: yes.
Comment: This variant is considered likely benign or benign based on one or more of the following criteria: it is a conservative change, it occurs at a poorly conserved position in the protein, it is predicted to be benign by multiple in silico algorithms, and/or has population frequency not consistent with disease.